The following is an entry in ClinVar:

ClinVar aggregate classification (germline): Uncertain significance. Review status: criteria provided, multiple submitters, no conflicts (2 of 4 stars). 2 submissions from 2 submitters: Uncertain significance (2). Last evaluated 2024-07-26.

Conditions:
Congenital muscular dystrophy due to integrin alpha-7 deficiency. Also called: MYOPATHY, CONGENITAL, DUE TO INTEGRIN ALPHA-7 DEFICIENCY; Congenital muscular dystrophy with integrin alpha-7 deficiency; Muscular dystrophy, congenital, due to ITGA7 deficiency. Identifiers: Orphanet 34520, MedGen C2750786, MONDO:0013177, OMIM 613204.

Allele frequency attached by ClinVar (database versions not stated): gnomAD exomes 0.00001 and 0.00002; gnomAD 0.00002 and 0.00003; TOPMed 0.00003; ExAC 0.00004.

Submissions (2):

Ambry Genetics
Classification: Uncertain significance. Last evaluated: 2024-07-26. Review status: criteria provided, single submitter. Criteria: Ambry Variant Classification Scheme 2023. Collection method: clinical testing. Allele origin: germline.

Labcorp Genetics (formerly Invitae), Labcorp
Classification: Uncertain significance for Congenital muscular dystrophy due to integrin alpha-7 deficiency. Last evaluated: 2022-08-10. Review status: criteria provided, single submitter. Criteria: Invitae Variant Classification Sherloc (09022015). Collection method: clinical testing. Allele origin: germline.
Comment: This sequence change replaces glycine, which is neutral and non-polar, with arginine, which is basic and polar, at codon 1122 of the ITGA7 protein (p.Gly1122Arg). This variant is present in population databases (rs750258372, gnomAD 0.02%). This variant has not been reported in the literature in individuals affected with ITGA7-related conditions. ClinVar contains an entry for this variant (Variation ID: 1417080). Algorithms developed to predict the effect of missense changes on protein structure and function are either unavailable or do not agree on the potential impact of this missense change (SIFT: "Tolerated"; PolyPhen-2: "Possibly Damaging"; Align-GVGD: "Class C0"). Algorithms developed to predict the effect of sequence changes on RNA splicing suggest that this variant may create or strengthen a splice site. In summary, the available evidence is currently insufficient to determine the role of this variant in disease. Therefore, it has been classified as a Variant of Uncertain Significance.

NM_002206.3(ITGA7):c.3364G>A (p.Gly1122Arg)

Gene: ITGA7 (integrin subunit alpha 7; minus strand). Cytogenetic location: 12q13.2.
Variant type: single nucleotide variant.
Coding change: c.3364G>A on transcript NM_002206.3 (MANE Select); coding-DNA position 3364, G replaced by A.
Protein change: p.Gly1122Arg; replaces glycine 1122 with arginine.
Molecular consequence: missense variant.
Genome position (GRCh38, 1-based): chr12:55,685,108, C>T on the plus strand (G>A on the coding strand, the complement: ITGA7 is on the minus strand). VCF-style: chr12-55685108-C-T. GRCh37 (hg19) VCF-style: chr12-56078892-C-T.
Other names: c.3376G>A, p.Gly1126Arg (NM_001144996.2); c.3085G>A, p.Gly1029Arg (NM_001144997.2); c.3037G>A, p.Gly1013Arg (NM_001367993.1); c.2020G>A, p.Gly674Arg (NM_001367994.1); c.3346G>A, p.Gly1116Arg (NM_001374465.1); c.3496G>A, p.Gly1166Arg (NM_001410977.1); c.3358G>A, p.Gly1120Arg (NM_001414029.1); c.3289G>A, p.Gly1097Arg (NM_001414030.1); and 6 more; short protein forms G674R, G1122R, G1029R, G1116R, G1126R, G1013R, G1166R, G1082R.
Identifiers: ClinVar variation 1417080 (VCV001417080.4), dbSNP rs750258372, ClinGen allele CA6615234.